The following is an entry in ClinVar:

NM_000219.6(KCNE1):c.*2529C>T

Gene: KCNE1 (potassium voltage-gated channel subfamily E regulatory subunit 1; minus strand). Cytogenetic location: 21q22.12.
Variant type: single nucleotide variant.
Coding change: c.*2529C>T on transcript NM_000219.6 (MANE Select); 2529 bases downstream of the stop codon, C replaced by T.
Molecular consequence: 3 prime UTR variant.
Genome position (GRCh38, 1-based): chr21:34,446,716, G>A on the plus strand (C>T on the coding strand, the complement: KCNE1 is on the minus strand). VCF-style: chr21-34446716-G-A. GRCh37 (hg19) VCF-style: chr21-35819014-G-A.
Other names: c.*2529C>T (NM_001127668.4, NM_001127669.4, NM_001127670.4 and 4 more transcripts).
Identifiers: ClinVar variation 339721 (VCV000339721.7), dbSNP rs2834485, ClinGen allele CA10644560.
Genomic context (GRCh38, chr21:34,446,716, plus strand): 5'-GTATCATAGTGATATTAAGAACACACATCACAGATCATAGTAAATGGCTTTAATTTTTTA[G>A]CGAAATCTCACTACTGCAAATGCATTGTTGTCCTAGCTAATGAATGCATAGAGTATTGCC-3'

ClinVar aggregate classification (germline): Benign. Review status: criteria provided, multiple submitters, no conflicts (2 of 4 stars). 3 submissions from 2 submitters: Benign (3). Last evaluated 2018-01-13.

Conditions:
Long QT syndrome 5 (LQT5). Identifiers: Orphanet 101016, Orphanet 768, MedGen C1867904, MONDO:0013372, OMIM 613695.
Jervell and Lange-Nielsen syndrome 2 (JLNS2). Identifiers: Orphanet 768, Orphanet 90647, MedGen C2676723, MONDO:0012871, OMIM 612347.

Allele frequency attached by ClinVar (database versions not stated): 1000 Genomes Project 0.67612; gnomAD 0.69189.

Submissions (3):

Illumina Laboratory Services, Illumina
Classification: Benign for Long QT syndrome 5. Last evaluated: 2018-01-13. Review status: criteria provided, single submitter. Criteria: ICSL Variant Classification Criteria 13 December 2019. Collection method: clinical testing. Allele origin: germline.
Comment: This variant was observed in the ICSL laboratory as part of a predisposition screen in an ostensibly healthy population. It had not been previously curated by ICSL or reported in the Human Gene Mutation Database (HGMD: prior to June 1st, 2018), and was therefore a candidate for classification through an automated scoring system. Utilizing variant allele frequency, disease prevalence and penetrance estimates, and inheritance mode, an automated score was calculated to assess if this variant is too frequent to cause the disease. Based on the score and internal cut-off values, a variant classified as benign is not then subjected to further curation. The score for this variant resulted in a classification of benign for this disease.

Illumina Laboratory Services, Illumina
Classification: Benign for Jervell and Lange-Nielsen syndrome 2. Last evaluated: 2018-01-13. Review status: criteria provided, single submitter. Criteria: ICSL Variant Classification Criteria 13 December 2019. Collection method: clinical testing. Allele origin: germline.
Comment: the same text as in the submission from Illumina Laboratory Services, Illumina above.

Breakthrough Genomics
Classification: Benign. Review status: criteria provided, single submitter. Criteria: ACMG Guidelines, 2015. Collection method: not provided. Allele origin: germline. Inheritance: Autosomal recessive inheritance. Affected: yes.